The following is an entry in ClinVar:

ClinVar aggregate classification (germline): Uncertain significance. Review status: criteria provided, multiple submitters, no conflicts (2 of 4 stars). 4 submissions from 4 submitters: Uncertain significance (4). Last evaluated 2025-06-03.

Conditions:
Hereditary cancer-predisposing syndrome. Also called: Hereditary Cancer Syndrome; Neoplastic Syndromes, Hereditary; Tumor predisposition; Hereditary neoplastic syndrome. Identifiers: Orphanet 140162, MedGen C0027672, MeSH D009386, MONDO:0015356.
Familial cancer of breast. Also called: BREAST CANCER, FAMILIAL; Hereditary breast cancer; hereditary breast carcinoma. Identifiers: Orphanet 227535, MedGen C0346153, MONDO:0016419, OMIM 114480. Disease mechanism: loss of function.
Fanconi anemia complementation group J. Also called: BRIP1-Related Fanconi Anemia. Identifiers: Orphanet 84, MedGen C1836860, MONDO:0012187, OMIM 609054.

Allele frequency attached by ClinVar (database versions not stated): gnomAD exomes below 0.00001 and 0.00001; TOPMed below 0.00001; ExAC 0.00001; gnomAD 0.00001.
gnomAD v4.1: 7 of 1,613,880 alleles (0.00043%); highest among the groups gnomAD compares: Non-Finnish European, 0.00059%; no homozygotes.

Submissions (4):

Labcorp Genetics (formerly Invitae), Labcorp
Classification: Uncertain significance for Familial cancer of breast; Fanconi anemia complementation group J. Last evaluated: 2025-06-03. Review status: criteria provided, single submitter. Criteria: Invitae Variant Classification Sherloc (09022015). Collection method: clinical testing. Allele origin: germline.
Comment: This sequence change replaces serine, which is neutral and polar, with cysteine, which is neutral and slightly polar, at codon 861 of the BRIP1 protein (p.Ser861Cys). This variant is present in population databases (rs774415723, gnomAD 0.003%). This missense change has been observed in individual(s) with personal and/or family history of breast cancer or melanoma (PMID: 26921362, 30414346). ClinVar contains an entry for this variant (Variation ID: 187562). Invitae Evidence Modeling of protein sequence and biophysical properties (such as structural, functional, and spatial information, amino acid conservation, physicochemical variation, residue mobility, and thermodynamic stability) has been performed for this missense variant. However, the output from this modeling did not meet the statistical confidence thresholds required to predict the impact of this variant on BRIP1 protein function. In summary, the available evidence is currently insufficient to determine the role of this variant in disease. Therefore, it has been classified as a Variant of Uncertain Significance.

Ambry Genetics
Classification: Uncertain significance for Hereditary cancer-predisposing syndrome. Last evaluated: 2025-06-02. Review status: criteria provided, single submitter. Criteria: Ambry Variant Classification Scheme 2023. Collection method: clinical testing. Allele origin: germline.
Comment: The p.S861C variant (also known as c.2582C>G), located in coding exon 18 of the BRIP1 gene, results from a C to G substitution at nucleotide position 2582. The serine at codon 861 is replaced by cysteine, an amino acid with dissimilar properties. This variant has been reported in breast cancer and melanoma cohorts (Easton DF et al. J Med Genet, 2016 05;53:298-309; Potjer TP et al. Int J Cancer, 2019 05;144:2453-2464). This variant was identified in1 of 1528 breast cancer cases and 0 of 3733 unaffected controls (Dumont M et al. Cancers (Basel), 2022 Jul;14:). This amino acid position is highly conserved in available vertebrate species. In addition, this alteration is predicted to be deleterious by in silico analysis. Based on the available evidence, the clinical significance of this variant remains unclear.

Baylor Genetics
Classification: Uncertain significance for Familial cancer of breast. Last evaluated: 2024-02-05. Review status: criteria provided, single submitter. Criteria: ACMG Guidelines, 2015. Collection method: clinical testing. Allele origin: unknown.

Color Diagnostics, LLC DBA Color Health
Classification: Uncertain significance for Hereditary cancer-predisposing syndrome. Last evaluated: 2021-08-31. Review status: criteria provided, single submitter. Criteria: ACMG Guidelines, 2015. Collection method: clinical testing. Allele origin: germline.
Comment: This missense variant replaces serine with cysteine at codon 861 of the BRIP1 protein. Computational prediction suggests that this variant may have deleterious impact on protein structure and function (internally defined REVEL score threshold >= 0.7, PMID: 27666373). To our knowledge, functional studies have not been reported for this variant. This variant has been reported in individuals affected with breast cancer and melanoma (PMID: 26921362, 30414346). This variant has been identified in 4/281246 chromosomes in the general population by the Genome Aggregation Database (gnomAD). The available evidence is insufficient to determine the role of this variant in disease conclusively. Therefore, this variant is classified as a Variant of Uncertain Significance.

Literature cited by the submitters: PubMed 26921362 (cited by 3 submitters); PubMed 30414346 (cited by 3 submitters); PubMed 35884425 (cited by Ambry Genetics).

NM_032043.3(BRIP1):c.2582C>G (p.Ser861Cys)

Gene: BRIP1 (BRCA1 interacting DNA helicase 1; minus strand). Cytogenetic location: 17q23.2.
Variant type: single nucleotide variant.
Coding change: c.2582C>G on transcript NM_032043.3 (MANE Select); coding-DNA position 2582, C replaced by G.
Protein change: p.Ser861Cys; replaces serine 861 with cysteine.
Molecular consequence: missense variant.
Genome position (GRCh38, 1-based): chr17:61,686,159, G>C on the plus strand (C>G on the coding strand, the complement: BRIP1 is on the minus strand). VCF-style: chr17-61686159-G-C. GRCh37 (hg19) VCF-style: chr17-59763520-G-C.
Other names: short protein forms S861C.
Identifiers: ClinVar variation 187562 (VCV000187562.22), dbSNP rs774415723, ClinGen allele CA197963.